The following is an entry in ClinVar:

ClinVar aggregate classification (germline): Uncertain significance. Review status: criteria provided, multiple submitters, no conflicts (2 of 4 stars). 2 submissions from 2 submitters: Uncertain significance (2). Last evaluated 2024-10-24.

Conditions:
Inborn genetic diseases. Identifiers: MedGen C0950123, MeSH D030342.

Allele frequency attached by ClinVar (database versions not stated): TOPMed 0.00003; gnomAD exomes 0.00012; ESP Exome Variant Server 0.00016; gnomAD 0.00030; ExAC 0.00038.
gnomAD v4.1: 213 of 1,608,280 alleles (0.013%); highest among the groups gnomAD compares: Non-Finnish European, 0.016%; no homozygotes.

Submissions (2):

Labcorp Genetics (formerly Invitae), Labcorp
Classification: Uncertain significance. Last evaluated: 2024-10-24. Review status: criteria provided, single submitter. Criteria: Invitae Variant Classification Sherloc (09022015). Collection method: clinical testing. Allele origin: germline.
Comment: This sequence change replaces alanine, which is neutral and non-polar, with threonine, which is neutral and polar, at codon 381 of the IRX5 protein (p.Ala381Thr). This variant is present in population databases (rs377649301, gnomAD 0.07%). This variant has not been reported in the literature in individuals affected with IRX5-related conditions. ClinVar contains an entry for this variant (Variation ID: 2158559). Invitae Evidence Modeling of protein sequence and biophysical properties (such as structural, functional, and spatial information, amino acid conservation, physicochemical variation, residue mobility, and thermodynamic stability) indicates that this missense variant is not expected to disrupt IRX5 protein function with a negative predictive value of 80%. In summary, the available evidence is currently insufficient to determine the role of this variant in disease. Therefore, it has been classified as a Variant of Uncertain Significance.

Ambry Genetics
Classification: Uncertain significance for Inborn genetic diseases. Last evaluated: 2023-12-26. Review status: criteria provided, single submitter. Criteria: Ambry Variant Classification Scheme 2023. Collection method: clinical testing. Allele origin: germline.

NM_005853.6(IRX5):c.1141G>A (p.Ala381Thr)

Gene: IRX5 (iroquois homeobox 5; plus strand). Cytogenetic location: 16q12.2.
Variant type: single nucleotide variant.
Coding change: c.1141G>A on transcript NM_005853.6 (MANE Select); coding-DNA position 1141, G replaced by A.
Protein change: p.Ala381Thr; replaces alanine 381 with threonine.
Molecular consequence: missense variant.
Genome position (GRCh38, 1-based): chr16:54,933,562, G>A. VCF-style: chr16-54933562-G-A. GRCh37 (hg19) VCF-style: chr16-54967474-G-A.
Other names: c.1138G>A, p.Ala380Thr (NM_001252197.1); c.1141G>A (NM_005853.5); short protein forms A380T, A381T.
Identifiers: ClinVar variation 2158559 (VCV002158559.5), dbSNP rs377649301, ClinGen allele CA8059334.
Genomic context (GRCh38, chr16:54,933,562, plus strand): 5'-CCGTGTCCCGGGCCCATAGCCGGGCAAGCCCTAGGAGGCAGCCGGGCGTCGCCGGCCCCG[G>A]CGCCGTCACGCTCGCCCTCGGCGCAGTGTCCTTTTCCAGGCGGGACGGTGCTGTCCCGGC-3'
Protein context (NP_005844.4, residues 371-391): LGGSRASPAP[Ala381Thr]PSRSPSAQCP